The following is an entry in ClinVar:

ClinVar aggregate classification (germline): Uncertain significance. Review status: criteria provided, multiple submitters, no conflicts (2 of 4 stars). 2 submissions from 2 submitters: Uncertain significance (2). Last evaluated 2026-04-22.

Conditions:
Inborn genetic diseases. Identifiers: MedGen C0950123, MeSH D030342.

Allele frequency attached by ClinVar (database versions not stated): gnomAD 0.00003; ExAC 0.00002; TOPMed 0.00001; gnomAD exomes 0.00003.

Submissions (2):

GeneDx
Classification: Uncertain significance. Last evaluated: 2026-04-22. Review status: criteria provided, single submitter. Criteria: GeneDx Variant Classification Process June 2021. Collection method: clinical testing. Allele origin: germline.
Comment: Not observed at significant frequency in large population cohorts (gnomAD); In silico analysis supports that this missense variant has a deleterious effect on protein structure/function; Has not been previously published as pathogenic or benign to our knowledge

Ambry Genetics
Classification: Uncertain significance for Inborn genetic diseases. Last evaluated: 2022-09-07. Review status: criteria provided, single submitter. Criteria: Ambry Variant Classification Scheme 2023. Collection method: clinical testing. Allele origin: germline.

NM_012208.4(HARS2):c.644G>A (p.Arg215Gln)

Gene: HARS2 (histidyl-tRNA synthetase 2, mitochondrial; plus strand). Cytogenetic location: 5q31.3.
Variant type: single nucleotide variant.
Coding change: c.644G>A on transcript NM_012208.4 (MANE Select); coding-DNA position 644, G replaced by A.
Protein change: p.Arg215Gln; replaces arginine 215 with glutamine.
Molecular consequence: missense variant.
Genome position (GRCh38, 1-based): chr5:140,696,113, G>A. VCF-style: chr5-140696113-G-A. GRCh37 (hg19) VCF-style: chr5-140075698-G-A.
Other names: c.569G>A, p.Arg190Gln (NM_001278731.2); c.212G>A, p.Arg71Gln (NM_001278732.2); c.662G>A, p.Arg221Gln (NM_001363535.2); c.434G>A, p.Arg145Gln (NM_001363536.2); short protein forms R71Q, R190Q, R221Q, R145Q, R215Q.
Identifiers: ClinVar variation 2311399 (VCV002311399.3), dbSNP rs780173856, ClinGen allele CA3444500.
Genomic context (GRCh38, chr5:140,696,113, plus strand): 5'-GAGTGGAAGGGCATTGACAAGCACTTGGGTCACTGACATTGAGTTCTCAGGTAAATGACC[G>A]GCGGATTGTGGATGGGATGTTTGCTGTCTGTGGTGTTCCTGAAAGCAAGTTCCGTGCCAT-3'
Protein context (NP_036340.1, residues 205-225): LGDFLIKVND[Arg215Gln]RIVDGMFAVC